The following is an entry in ClinVar:

NM_000081.4(LYST):c.10756T>G (p.Cys3586Gly)

Gene: LYST (lysosomal trafficking regulator; minus strand). Cytogenetic location: 1q42.3.
Variant type: single nucleotide variant.
Coding change: c.10756T>G on transcript NM_000081.4 (MANE Select); coding-DNA position 10756, T replaced by G.
Protein change: p.Cys3586Gly; replaces cysteine 3586 with glycine.
Molecular consequence: missense variant.
Genome position (GRCh38, 1-based): chr1:235,686,993, A>C on the plus strand (T>G on the coding strand, the complement: LYST is on the minus strand). VCF-style: chr1-235686993-A-C. GRCh37 (hg19) VCF-style: chr1-235850293-A-C.
Other names: c.10756T>G, p.Cys3586Gly (NM_001301365.1); short protein forms C3586G.
Identifiers: ClinVar variation 2010534 (VCV002010534.4), dbSNP rs2527211643, ClinGen allele CA344924195.

ClinVar aggregate classification (germline): Uncertain significance (1 of 4 stars; one submission).

Conditions:
Chédiak-Higashi syndrome (CHS). Also called: Chediak-Higashi Syndrome. Identifiers: Orphanet 167, MedGen C0007965, MONDO:0008963, OMIM 214500.

Submission:

Labcorp Genetics (formerly Invitae), Labcorp
Classification: Uncertain significance for Chédiak-Higashi syndrome. Last evaluated: 2023-10-22. Review status: criteria provided, single submitter. Criteria: Invitae Variant Classification Sherloc (09022015). Collection method: clinical testing. Allele origin: germline.
Comment: This sequence change replaces cysteine, which is neutral and slightly polar, with glycine, which is neutral and non-polar, at codon 3586 of the LYST protein (p.Cys3586Gly). This variant is not present in population databases (gnomAD no frequency). This variant has not been reported in the literature in individuals affected with LYST-related conditions. ClinVar contains an entry for this variant (Variation ID: 2010534). Advanced modeling of protein sequence and biophysical properties (such as structural, functional, and spatial information, amino acid conservation, physicochemical variation, residue mobility, and thermodynamic stability) performed at Invitae indicates that this missense variant is not expected to disrupt LYST protein function. In summary, the available evidence is currently insufficient to determine the role of this variant in disease. Therefore, it has been classified as a Variant of Uncertain Significance.